The following is an entry in ClinVar:

NM_000322.5(PRPH2):c.581+6T>A

Gene: PRPH2 (peripherin 2; minus strand). Cytogenetic location: 6p21.1.
Variant type: single nucleotide variant.
Coding change: c.581+6T>A on transcript NM_000322.5 (MANE Select); 6 bases into the intron after coding-DNA position 581, T replaced by A.
Molecular consequence: intron variant.
Genome position (GRCh38, 1-based): chr6:42,721,748, A>T on the plus strand (T>A on the coding strand, the complement: PRPH2 is on the minus strand). VCF-style: chr6-42721748-A-T. GRCh37 (hg19) VCF-style: chr6-42689486-A-T.
Identifiers: ClinVar variation 967238 (VCV000967238.9), dbSNP rs1761904652, ClinGen allele CA1139659524.

ClinVar aggregate classification (germline): Uncertain significance (1 of 4 stars; one submission).

Conditions:
PRPH2-related disorder. Also called: PRPH2-related condition; PRPH2-related disorders. Identifiers: MedGen CN239395.

Submission:

Labcorp Genetics (formerly Invitae), Labcorp
Classification: Uncertain significance for PRPH2-related disorder. Last evaluated: 2025-03-17. Review status: criteria provided, single submitter. Criteria: Invitae Variant Classification Sherloc (09022015). Collection method: clinical testing. Allele origin: germline.
Comment: This sequence change falls in intron 1 of the PRPH2 gene. It does not directly change the encoded amino acid sequence of the PRPH2 protein. It affects a nucleotide within the consensus splice site. This variant is not present in population databases (gnomAD no frequency). This variant has not been reported in the literature in individuals affected with PRPH2-related conditions. ClinVar contains an entry for this variant (Variation ID: 967238). Variants that disrupt the consensus splice site are a relatively common cause of aberrant splicing (PMID: 17576681, 9536098). Algorithms developed to predict the effect of sequence changes on RNA splicing suggest that this variant may disrupt the consensus splice site. In summary, the available evidence is currently insufficient to determine the role of this variant in disease. Therefore, it has been classified as a Variant of Uncertain Significance.

Literature cited by the submitters: PubMed 17576681; PubMed 9536098.